The following is an entry in ClinVar:

NM_004304.5(ALK):c.786T>C (p.Tyr262=)

Gene: ALK (ALK receptor tyrosine kinase; minus strand). Cytogenetic location: 2p23.2.
Variant type: single nucleotide variant.
Coding change: c.786T>C on transcript NM_004304.5 (MANE Select); coding-DNA position 786, T replaced by C.
Protein change: p.Tyr262=; no amino-acid change (tyrosine 262 retained).
Molecular consequence: synonymous variant.
Genome position (GRCh38, 1-based): chr2:29,717,579, A>G on the plus strand (T>C on the coding strand, the complement: ALK is on the minus strand). VCF-style: chr2-29717579-A-G. GRCh37 (hg19) VCF-style: chr2-29940445-A-G.
Identifiers: ClinVar variation 3223928 (VCV003223928.3), dbSNP rs1345881154, ClinGen allele CA425521653.

ClinVar aggregate classification (germline): Conflicting classifications of pathogenicity. Review status: criteria provided, conflicting classifications (1 of 4 stars). 2 submissions from 2 submitters: Uncertain significance (1); Likely benign (1). Last evaluated 2024-08-15.

Conditions:
Hereditary cancer-predisposing syndrome. Also called: Hereditary Cancer Syndrome; Tumor predisposition; Neoplastic Syndromes, Hereditary; Hereditary neoplastic syndrome. Identifiers: Orphanet 140162, MedGen C0027672, MeSH D009386, MONDO:0015356.
Neuroblastoma, susceptibility to, 3. Also called: ALK-Related Neuroblastic Tumor Susceptibility. Identifiers: Orphanet 635, MedGen C2751681, MONDO:0013083, OMIM 613014.

Allele frequency attached by ClinVar (database versions not stated): gnomAD exomes below 0.00001; TOPMed below 0.00001; gnomAD 0.00001.
gnomAD v4.1: 2 of 1,613,958 alleles (0.00012%); highest among the groups gnomAD compares: South Asian, 0.0011%; no homozygotes.

Submissions (2):

Labcorp Genetics (formerly Invitae), Labcorp
Classification: Uncertain significance for Neuroblastoma, susceptibility to, 3. Last evaluated: 2024-08-15. Review status: criteria provided, single submitter. Criteria: Invitae Variant Classification Sherloc (09022015). Collection method: clinical testing. Allele origin: germline.
Comment: This sequence change affects codon 262 of the ALK mRNA. It is a 'silent' change, meaning that it does not change the encoded amino acid sequence of the ALK protein. It affects a nucleotide within the consensus splice site. This variant is not present in population databases (gnomAD no frequency). This variant has not been reported in the literature in individuals affected with ALK-related conditions. Algorithms developed to predict the effect of sequence changes on RNA splicing suggest that this variant is not likely to affect RNA splicing. In summary, the available evidence is currently insufficient to determine the role of this variant in disease. Therefore, it has been classified as a Variant of Uncertain Significance.

Ambry Genetics
Classification: Likely benign for Hereditary cancer-predisposing syndrome. Last evaluated: 2024-03-04. Review status: criteria provided, single submitter. Criteria: Ambry Variant Classification Scheme 2023. Collection method: clinical testing. Allele origin: germline.